The following is an entry in ClinVar:

NM_020778.4(ALPK3):c.22_24delTATinsCAC (p.Tyr8His)

Gene: ALPK3 (alpha kinase 3; plus strand). Cytogenetic location: 15q25.3.
Variant type: Indel.
Coding change: c.22_24delTATinsCAC on transcript NM_020778.4; coding-DNA positions 22 to 24, 3 bases deleted.
Protein change: p.Tyr8His; replaces tyrosine 8 with histidine.
Genome position: GRCh38 VCF-style: chr15-84816868-TAT-CAC. GRCh37 (hg19) VCF-style: chr15-85360099-TAT-CAC.
Other names: short protein forms Y8H.
Identifiers: ClinVar variation 4044597 (VCV004044597.1).

ClinVar aggregate classification (germline): Uncertain significance (1 of 4 stars; one submission).

Conditions:
Cardiovascular phenotype. Identifiers: MedGen CN230736.

Submission:

Ambry Genetics
Classification: Uncertain significance for Cardiovascular phenotype. Last evaluated: 2025-04-22. Review status: criteria provided, single submitter. Criteria: Ambry Variant Classification Scheme 2023. Collection method: clinical testing. Allele origin: germline.
Comment: The c.22_24delTATinsCAC variant, located in coding exon 1 of the ALPK3 gene, results from an in-frame deletion of TAT and insertion of CAC at nucleotide positions 22 to 24. This results in the substitution of the tyrosine residue for a histidine residue at codon 8, an amino acid with similar properties. This amino acid position is well conserved in available vertebrate species. In addition, this alteration is predicted to be neutral by in silico analysis (Choi Y et al. PLoS ONE. 2012; 7(10):e46688). Based on the available evidence, the clinical significance of this variant remains unclear.